The following is an entry in ClinVar:

ClinVar aggregate classification (germline): Uncertain significance. Review status: criteria provided, multiple submitters, no conflicts (2 of 4 stars). 2 submissions from 2 submitters: Uncertain significance (2). Last evaluated 2021-08-31.

Conditions:
Spastic paraplegia. Identifiers: MedGen C0037772, HP:0001258.
Hereditary spastic paraplegia. Also called: Familial spastic paraparesis. Identifiers: Orphanet 685, MedGen C0037773, MONDO:0019064. Disease mechanism: loss of function.

Allele frequency attached by ClinVar (database versions not stated): ExAC 0.00001; gnomAD exomes 0.00002; gnomAD 0.00004; TOPMed 0.00004; ESP Exome Variant Server 0.00008.
gnomAD v4.1: 94 of 1,613,772 alleles (0.0058%); highest among the groups gnomAD compares: Non-Finnish European, 0.0074%; no homozygotes.

Submissions (2):

Labcorp Genetics (formerly Invitae), Labcorp
Classification: Uncertain significance for Spastic paraplegia. Last evaluated: 2021-08-31. Review status: criteria provided, single submitter. Criteria: Invitae Variant Classification Sherloc (09022015). Collection method: clinical testing. Allele origin: germline.
Comment: This sequence change replaces threonine with isoleucine at codon 249 of the GBA2 protein (p.Thr249Ile). The threonine residue is highly conserved and there is a moderate physicochemical difference between threonine and isoleucine. This variant is present in population databases (rs370954241, ExAC 0.01%). This variant has not been reported in the literature in individuals affected with GBA2-related conditions. Algorithms developed to predict the effect of missense changes on protein structure and function are either unavailable or do not agree on the potential impact of this missense change (SIFT: "Tolerated"; PolyPhen-2: "Possibly Damaging"; Align-GVGD: "Class C0"). In summary, the available evidence is currently insufficient to determine the role of this variant in disease. Therefore, it has been classified as a Variant of Uncertain Significance.

Genome Diagnostics Laboratory, The Hospital for Sick Children
Classification: Uncertain significance for Hereditary spastic paraplegia. Last evaluated: 2016-12-12. Review status: criteria provided, single submitter. Criteria: ACMG Guidelines, 2015. Collection method: clinical testing. Allele origin: germline. Affected: yes.

NM_020944.3(GBA2):c.746C>T (p.Thr249Ile)

Gene: GBA2 (glucosylceramidase beta 2; minus strand). Cytogenetic location: 9p13.3.
Variant type: single nucleotide variant.
Coding change: c.746C>T on transcript NM_020944.3 (MANE Select); coding-DNA position 746, C replaced by T.
Protein change: p.Thr249Ile; replaces threonine 249 with isoleucine.
Molecular consequence: missense variant.
Genome position (GRCh38, 1-based): chr9:35,741,712, G>A on the plus strand (C>T on the coding strand, the complement: GBA2 is on the minus strand). VCF-style: chr9-35741712-G-A. GRCh37 (hg19) VCF-style: chr9-35741709-G-A.
Other names: c.746C>T, p.Thr249Ile (NM_001330660.2); short protein forms T249I.
Identifiers: ClinVar variation 641362 (VCV000641362.9), dbSNP rs370954241, ClinGen allele CA5050633.
Genomic context (GRCh38, chr9:35,741,712, plus strand): 5'-TACAGATGTGGGGGCCTCACCTGGTAGTCATGGGGCAAGATGGGTGTGATCTGACGGCAG[G>A]TGAGGGTGACATTCTGGCCAGGAAGCTGATAGACAGTCCAGGCTCGGGGATAGAGGGCAT-3'
Protein context (NP_065995.1, residues 239-259): YQLPGQNVTL[Thr249Ile]CRQITPILPH